The following is an entry in ClinVar:

ClinVar aggregate classification (germline): Uncertain significance (1 of 4 stars; one submission).

gnomAD v4.1: 2 of 1,614,188 alleles (0.00012%); highest among the groups gnomAD compares: Non-Finnish European, 0.00017%; no homozygotes.

Submission:

Labcorp Genetics (formerly Invitae), Labcorp
Classification: Uncertain significance. Last evaluated: 2023-07-17. Review status: criteria provided, single submitter. Criteria: Invitae Variant Classification Sherloc (09022015). Collection method: clinical testing. Allele origin: germline.
Comment: This variant is present in population databases (no rsID available, gnomAD 0.0009%). This sequence change replaces glutamic acid, which is acidic and polar, with glutamine, which is neutral and polar, at codon 293 of the CNTNAP1 protein (p.Glu293Gln). This variant has not been reported in the literature in individuals affected with CNTNAP1-related conditions. In summary, the available evidence is currently insufficient to determine the role of this variant in disease. Therefore, it has been classified as a Variant of Uncertain Significance. An algorithm developed to predict the effect of missense changes on protein structure and function (PolyPhen-2) suggests that this variant is likely to be tolerated. ClinVar contains an entry for this variant (Variation ID: 1911756).

NM_003632.3(CNTNAP1):c.877G>C (p.Glu293Gln)

Gene: CNTNAP1 (contactin associated protein 1; plus strand). Cytogenetic location: 17q21.2.
Variant type: single nucleotide variant.
Coding change: c.877G>C on transcript NM_003632.3 (MANE Select); coding-DNA position 877, G replaced by C.
Protein change: p.Glu293Gln; replaces glutamic acid 293 with glutamine.
Molecular consequence: missense variant.
Genome position (GRCh38, 1-based): chr17:42,686,118, G>C. VCF-style: chr17-42686118-G-C. GRCh37 (hg19) VCF-style: chr17-40838136-G-C.
Other names: short protein forms E293Q.
Identifiers: ClinVar variation 1911756 (VCV001911756.5), dbSNP rs1230939534, ClinGen allele CA399635656.